The following continues an entry in ClinVar:

NM_004183.4(BEST1):c.584C>T (p.Ala195Val)

ClinVar aggregate classification (germline): Pathogenic/Likely pathogenic. Pathogenic (15); Likely pathogenic (4).

Submissions 15 to 25 of 25:

Molecular Genetics, Royal Melbourne Hospital
Classification: Pathogenic for Autosomal recessive bestrophinopathy. Last evaluated: 2020-11-20. Review status: criteria provided, single submitter. Criteria: ACMG Guidelines, 2015. Collection method: clinical testing. Allele origin: germline. Affected: no.
Comment: This sequence change is predicted to replace alanine with valine at codon 195 of the BEST1 protein (p.Ala195Val). The alanine residue is moderately conserved (100 vertebrates, UCSC), and located in the bestrophin, RFP-TM, chloride channel domain (Uniprot). There is a moderate physicochemical difference between alanine and valine. The variant is present in a large population cohort at a frequency of 0.025% (rs200277476, 71/282,812 alleles, 1 homozygote in gnomAD 2.1), with an East Asian population frequency of 0.2% (47/19,952 alleles, 1 homozygote). The variant has been identified with a second pathogenic allele in multiple individuals with autosomal recessive bestrinopathy (PM3_VeryStrong; PMID: 28687848, 30498755, 30593719), and segregates with disease in at least one family (PP1; PMID: 26720466). The variant significantly reduces BEST1 function, which is fully ablated when co-transfected with other recessive variants in in vitro assays (PS3_Supporting; PMID: 21330666, 26720466). Multiple lines of computational evidence predict a deleterious effect for the missense substitution (PP3; 7/7 algorithms). Based on the classification scheme RMH ACMG Guidelines v1.2.1, this variant is classified as PATHOGENIC. Following criteria are met: PM3_VeryStrong, PS3_Supporting, PP1, PP3.

SIB Swiss Institute of Bioinformatics
Classification: Likely pathogenic for Autosomal recessive bestrophinopathy. Last evaluated: 2018-05-31. Review status: criteria provided, single submitter. Criteria: ACMG Guidelines, 2015. Collection method: curation. Allele origin: unknown.
Comment: This variant is interpreted as a Likely Pathogenic, for Bestrophinopathy, autosomal recessive, in Autosomal Recessive manner. The following ACMG Tag(s) were applied: PP3 => Multiple lines of computational evidence support a deleterious effect on the gene or gene product. PM3-Supporting => For recessive disorders, detected in trans with a likely pathogenic variant (PMID:21273940). PP1-Moderate => PP1 upgraded in strength to Moderate . PS3 => Well-established functional studies show a deleterious effect (PMID:26720466) (PMID:21330666).

CeGaT Center for Human Genetics Tuebingen
Classification: Pathogenic. Last evaluated: 2017-09-01. Review status: criteria provided, single submitter. Criteria: CeGaT Center For Human Genetics Tuebingen Variant Classification Criteria Version 2. Collection method: clinical testing. Allele origin: germline. Affected: yes. Observed: 1 variant allele.

Soonchunhyang University Bucheon Hospital, Soonchunhyang University Medical Center
Classification: Likely pathogenic for Autosomal recessive bestrophinopathy. Last evaluated: 2016-03-18. Review status: criteria provided, single submitter. Criteria: ACMG Guidelines, 2015. Collection method: reference population. Allele origin: germline. Observed: 1 variant allele.

Juno Genomics, Hangzhou Juno Genomics, Inc
Classification: Pathogenic for Autosomal dominant vitreoretinochoroidopathy; Autosomal recessive bestrophinopathy; Vitelliform macular dystrophy 2; Retinitis pigmentosa 50. Review status: criteria provided, single submitter. Criteria: ACMG Guidelines, 2015. Collection method: clinical testing. Allele origin: germline. Affected: yes.
Comment: Multiple lines of computational evidence support a deleterious effect on the gene or gene product (conservation, evolutionary, splicing impact, etc).;For recessive disorders, detected in trans with a pathogenic variant.;Co-segregation with disease in multiple affected family members in a gene definitively known to cause the disease.

Joint Genome Diagnostic Labs from Nijmegen and Maastricht, Radboudumc and MUMC+
Classification: Uncertain significance for Retinal dystrophy. Last evaluated: 2016-09-01. Review status: no assertion criteria provided. Collection method: clinical testing. Allele origin: unknown. Affected: yes. Observed: 1 variant allele. Not counted in ClinVar's aggregate classification.

Dr. Peter K. Rogan Lab, Western University
No classification provided (evidence only). Condition: Nonpapillary renal cell carcinoma. Review status: no classification provided. Collection method: in vitro. Allele origin: not applicable. Functional consequence: retained intron. Not counted in ClinVar's aggregate classification.

Dr. Peter K. Rogan Lab, Western University
No classification provided (evidence only). Condition: Ovarian serous cystadenocarcinoma. Review status: no classification provided. Collection method: in vitro. Allele origin: not applicable. Functional consequence: retained intron. Not counted in ClinVar's aggregate classification.

Dr. Peter K. Rogan Lab, Western University
No classification provided (evidence only). Condition: Gastric cancer. Review status: no classification provided. Collection method: in vitro. Allele origin: not applicable. Functional consequence: retained intron. Not counted in ClinVar's aggregate classification.

Dr. Peter K. Rogan Lab, Western University
No classification provided (evidence only). Condition: Malignant tumor of esophagus. Review status: no classification provided. Collection method: in vitro. Allele origin: not applicable. Functional consequence: retained intron. Not counted in ClinVar's aggregate classification.

Retina International
No classification provided. Review status: no classification provided. Collection method: not provided. Allele origin: not provided. Not counted in ClinVar's aggregate classification.

Literature cited by the submitters: PubMed 18985398 (cited by Labcorp Genetics (formerly Invitae), Labcorp and Institute of Human Genetics, Univ. Regensburg, Univ. Regensburg); PubMed 20927214 (cited by Labcorp Genetics (formerly Invitae), Labcorp); PubMed 21273940 (cited by Labcorp Genetics (formerly Invitae), Labcorp and SIB Swiss Institute of Bioinformatics); PubMed 21809908 (cited by Labcorp Genetics (formerly Invitae), Labcorp and Institute of Human Genetics, Univ. Regensburg, Univ. Regensburg); PubMed 21825197 (cited by Labcorp Genetics (formerly Invitae), Labcorp and Institute of Human Genetics, Univ. Regensburg, Univ. Regensburg); PubMed 25489231 (cited by Labcorp Genetics (formerly Invitae), Labcorp); PubMed 26201355 (cited by Labcorp Genetics (formerly Invitae), Labcorp); PubMed 28687848 (cited by 3 submitters); PubMed 29555955 (cited by Labcorp Genetics (formerly Invitae), Labcorp and Institute of Human Genetics, Univ. Regensburg, Univ. Regensburg); PubMed 2133066 (cited by Labcorp Genetics (formerly Invitae), Labcorp); PubMed 24560797 (cited by Labcorp Genetics (formerly Invitae), Labcorp and Institute of Human Genetics, Univ. Regensburg, Univ. Regensburg); PubMed 26720466 (cited by 4 submitters); PubMed 29668979 (cited by 3 submitters); PubMed 10798642 (cited by 3billion and Institute of Human Genetics, Univ. Regensburg, Univ. Regensburg); PubMed 21330666 (cited by 4 submitters); PubMed 23591405 (cited by Institute of Human Genetics, Univ. Regensburg, Univ. Regensburg); PubMed 28559085 (cited by Institute of Human Genetics, Univ. Regensburg, Univ. Regensburg); PubMed 30498755 (cited by Institute of Human Genetics, Univ. Regensburg, Univ. Regensburg and Molecular Genetics, Royal Melbourne Hospital); PubMed 30593719 (cited by Institute of Human Genetics, Univ. Regensburg, Univ. Regensburg and Molecular Genetics, Royal Melbourne Hospital); PubMed 31766397 (cited by Institute of Human Genetics, Univ. Regensburg, Univ. Regensburg); PubMed 32883240 (cited by Institute of Human Genetics, Univ. Regensburg, Univ. Regensburg); PubMed 31519547 (cited by Institute of Human Genetics, Univ. Regensburg, Univ. Regensburg); PubMed 31429209 (cited by Institute of Human Genetics, Univ. Regensburg, Univ. Regensburg); PubMed 33302512 (cited by Institute of Human Genetics, Univ. Regensburg, Univ. Regensburg); PubMed 33090715 (cited by Institute of Human Genetics, Univ. Regensburg, Univ. Regensburg); PubMed 32100970 (cited by Institute of Human Genetics, Univ. Regensburg, Univ. Regensburg); PubMed 32141364 (cited by Institute of Human Genetics, Univ. Regensburg, Univ. Regensburg); PubMed 34373720 (cited by Institute of Human Genetics, Univ. Regensburg, Univ. Regensburg); PubMed 33691693 (cited by Institute of Human Genetics, Univ. Regensburg, Univ. Regensburg); PubMed 34327816 (cited by Institute of Human Genetics, Univ. Regensburg, Univ. Regensburg); PubMed 35885980 (cited by Institute of Human Genetics, Univ. Regensburg, Univ. Regensburg); PubMed 36284460 (cited by Institute of Human Genetics, Univ. Regensburg, Univ. Regensburg); PubMed 35973442 (cited by Institute of Human Genetics, Univ. Regensburg, Univ. Regensburg); PubMed 36378562 (cited by Institute of Human Genetics, Univ. Regensburg, Univ. Regensburg); PubMed 10788642 (cited by Soonchunhyang University Bucheon Hospital, Soonchunhyang University Medical Center).